The following is an entry in ClinVar:

NM_000350.3(ABCA4):c.3266C>T (p.Thr1089Ile)

Gene: ABCA4 (ATP binding cassette subfamily A member 4; minus strand). Cytogenetic location: 1p22.1.
Variant type: single nucleotide variant.
Coding change: c.3266C>T on transcript NM_000350.3 (MANE Select); coding-DNA position 3266, C replaced by T.
Protein change: p.Thr1089Ile; replaces threonine 1089 with isoleucine.
Molecular consequence: missense variant.
Genome position (GRCh38, 1-based): chr1:94,042,823, G>A on the plus strand (C>T on the coding strand, the complement: ABCA4 is on the minus strand). VCF-style: chr1-94042823-G-A. GRCh37 (hg19) VCF-style: chr1-94508379-G-A.
Other names: c.3044C>T, p.Thr1015Ile (NM_001425324.1); short protein forms T1089I, T1015I.
Identifiers: ClinVar variation 2202792 (VCV002202792.6), dbSNP rs2101050605, ClinGen allele CA341292120.

ClinVar aggregate classification (germline): Pathogenic/Likely pathogenic. Review status: criteria provided, multiple submitters, no conflicts (2 of 4 stars). 3 submissions from 3 submitters: Pathogenic (2); Likely pathogenic (1). Last evaluated 2022-09-21.

Conditions:
Retinal dystrophy. Also called: Inherited retinal dystrophy. Identifiers: Orphanet 71862, MedGen C0854723, MeSH D058499, MONDO:0019118, HP:0000556.
ABCA4-related disorder. Also called: ABCA4-related disorders; ABCA4-related condition. Identifiers: MedGen CN239167.

Submissions (3):

Blueprint Genetics
Classification: Likely pathogenic for ABCA4-related disorders. Last evaluated: 2022-09-21. Review status: criteria provided, single submitter. Criteria: ACMG Guidelines, 2015. Collection method: clinical testing. Allele origin: germline. Affected: yes. Observed: 2 variant alleles.

Labcorp Genetics (formerly Invitae), Labcorp
Classification: Pathogenic. Last evaluated: 2022-06-09. Review status: criteria provided, single submitter. Criteria: Invitae Variant Classification Sherloc (09022015). Collection method: clinical testing. Allele origin: germline.
Comment: For these reasons, this variant has been classified as Pathogenic. Advanced modeling of protein sequence and biophysical properties (such as structural, functional, and spatial information, amino acid conservation, physicochemical variation, residue mobility, and thermodynamic stability) performed at Invitae indicates that this missense variant is expected to disrupt ABCA4 protein function. This missense change has been observed in individual(s) with Stargardt Disease (PMID: 23882696, 33301772). This variant is not present in population databases (gnomAD no frequency). This sequence change replaces threonine, which is neutral and polar, with isoleucine, which is neutral and non-polar, at codon 1089 of the ABCA4 protein (p.Thr1089Ile).

Institute of Human Genetics, Univ. Regensburg, Univ. Regensburg
Classification: Pathogenic for Retinal dystrophy. Last evaluated: 2010-01-01. Review status: criteria provided, single submitter. Criteria: ACMG Guidelines, 2015. Collection method: clinical testing. Allele origin: germline. Affected: yes.

Literature cited by the submitters: PubMed 23882696 (cited by Labcorp Genetics (formerly Invitae), Labcorp and Institute of Human Genetics, Univ. Regensburg, Univ. Regensburg); PubMed 33301772 (cited by Labcorp Genetics (formerly Invitae), Labcorp and Institute of Human Genetics, Univ. Regensburg, Univ. Regensburg); PubMed 36460718 (cited by Institute of Human Genetics, Univ. Regensburg, Univ. Regensburg).